The following is an entry in ClinVar:

ClinVar aggregate classification (germline): Uncertain significance. Review status: criteria provided, multiple submitters, no conflicts (2 of 4 stars). 2 submissions from 2 submitters: Uncertain significance (2). Last evaluated 2023-12-07.

Allele frequency attached by ClinVar (database versions not stated): ExAC 0.00001; gnomAD 0.00001; gnomAD exomes 0.00001; TOPMed 0.00001.

Submissions (2):

Labcorp Genetics (formerly Invitae), Labcorp
Classification: Uncertain significance. Last evaluated: 2023-12-07. Review status: criteria provided, single submitter. Criteria: Invitae Variant Classification Sherloc (09022015). Collection method: clinical testing. Allele origin: germline.
Comment: This sequence change replaces leucine, which is neutral and non-polar, with proline, which is neutral and non-polar, at codon 400 of the SLC7A14 protein (p.Leu400Pro). This variant is present in population databases (rs759913208, gnomAD 0.002%). This variant has not been reported in the literature in individuals affected with SLC7A14-related conditions. ClinVar contains an entry for this variant (Variation ID: 2328912). An algorithm developed to predict the effect of missense changes on protein structure and function (PolyPhen-2) suggests that this variant is likely to be disruptive. In summary, the available evidence is currently insufficient to determine the role of this variant in disease. Therefore, it has been classified as a Variant of Uncertain Significance.

Ambry Genetics
Classification: Uncertain significance. Last evaluated: 2022-11-21. Review status: criteria provided, single submitter. Criteria: Ambry Variant Classification Scheme 2023. Collection method: clinical testing. Allele origin: germline.

NM_020949.3(SLC7A14):c.1199T>C (p.Leu400Pro)

Genes: SLC7A14 (solute carrier family 7 member 14; minus strand), SLC7A14-AS1 (SLC7A14 antisense RNA 1; plus strand). Cytogenetic location: 3q26.2.
Variant type: single nucleotide variant.
Coding change: c.1199T>C on transcript NM_020949.3 (MANE Select); coding-DNA position 1199, T replaced by C.
Protein change: p.Leu400Pro; replaces leucine 400 with proline.
Molecular consequence: missense variant.
Genome position (GRCh38, 1-based): chr3:170,481,083, A>G on the plus strand (T>C on the coding strand, the complement: SLC7A14 is on the minus strand). VCF-style: chr3-170481083-A-G. GRCh37 (hg19) VCF-style: chr3-170198872-A-G.
Other names: short protein forms L400P.
Identifiers: ClinVar variation 2328912 (VCV002328912.5), dbSNP rs759913208, ClinGen allele CA2701670.